The following is an entry in ClinVar:

ClinVar aggregate classification (germline): Likely benign. Review status: criteria provided, multiple submitters, no conflicts (2 of 4 stars). 2 submissions from 2 submitters: Likely benign (2). Last evaluated 2025-02-01.

Allele frequency attached by ClinVar (database versions not stated): gnomAD exomes 0.00001.

Submissions (2):

CeGaT Center for Human Genetics Tuebingen
Classification: Likely benign. Last evaluated: 2025-02-01. Review status: criteria provided, single submitter. Criteria: CeGaT Center For Human Genetics Tuebingen Variant Classification Criteria Version 2. Collection method: clinical testing. Allele origin: germline. Affected: yes. Observed: 1 variant allele.
Comment: SMO: BP4, BP7

Labcorp Genetics (formerly Invitae), Labcorp
Classification: Likely benign. Last evaluated: 2019-12-31. Review status: criteria provided, single submitter. Criteria: Invitae Variant Classification Sherloc (09022015). Collection method: clinical testing. Allele origin: germline.

NM_005631.5(SMO):c.2067T>G (p.Pro689=)

Gene: SMO (smoothened, frizzled class receptor; plus strand). Cytogenetic location: 7q32.1.
Variant type: single nucleotide variant.
Coding change: c.2067T>G on transcript NM_005631.5 (MANE Select); coding-DNA position 2067, T replaced by G.
Protein change: p.Pro689=; no amino-acid change (proline 689 retained).
Molecular consequence: synonymous variant.
Genome position (GRCh38, 1-based): chr7:129,212,154, T>G. VCF-style: chr7-129212154-T-G. GRCh37 (hg19) VCF-style: chr7-128851995-T-G.
Identifiers: ClinVar variation 741461 (VCV000741461.17), dbSNP rs1457180773, ClinGen allele CA457852478.
Genomic context (GRCh38, chr7:129,212,154, plus strand): 5'-GGGCCGGAAGAAGAAGAGGAGGAAGAGGAAGAAGGAGGTGTGCCCGCTGGCGCCGCCCCC[T>G]GAGCTTCACCCCCCTGCCCCTGCCCCCAGTACCATTCCTCGACTGCCTCAGCTGCCCCGG-3'
Protein context (NP_005622.1, residues 679-699): KKEVCPLAPP[Pro689=]ELHPPAPAPS